The following is an entry in ClinVar:

ClinVar aggregate classification (germline): Uncertain significance. Review status: criteria provided, multiple submitters, no conflicts (2 of 4 stars). 2 submissions from 2 submitters: Uncertain significance (2). Last evaluated 2025-09-02.

Conditions:
Hereditary cancer-predisposing syndrome. Also called: Neoplastic Syndromes, Hereditary; Hereditary Cancer Syndrome; Hereditary neoplastic syndrome; Tumor predisposition. Identifiers: Orphanet 140162, MedGen C0027672, MeSH D009386, MONDO:0015356.
Familial meningioma. Also called: Meningioma, familial, susceptibility to. Identifiers: Orphanet 263662, MedGen C3551915, MONDO:0011789, OMIM 607174.

Allele frequency attached by ClinVar (database versions not stated): gnomAD exomes below 0.00001; ExAC 0.00001; gnomAD 0.00001.
gnomAD v4.1: 3 of 1,608,954 alleles (0.00019%); highest among the groups gnomAD compares: Middle Eastern, 0.033%; no homozygotes.

Submissions (2):

Labcorp Genetics (formerly Invitae), Labcorp
Classification: Uncertain significance for Familial meningioma. Last evaluated: 2025-09-02. Review status: criteria provided, single submitter. Criteria: Invitae Variant Classification Sherloc (09022015). Collection method: clinical testing. Allele origin: germline.
Comment: This sequence change falls in intron 9 of the SMARCE1 gene. It does not directly change the encoded amino acid sequence of the SMARCE1 protein. It affects a nucleotide within the consensus splice site. This variant is present in population databases (rs779984224, gnomAD no frequency). This variant has not been reported in the literature in individuals affected with SMARCE1-related conditions. ClinVar contains an entry for this variant (Variation ID: 463435). Variants that disrupt the consensus splice site are a relatively common cause of aberrant splicing (PMID: 17576681, 9536098). Algorithms developed to predict the effect of sequence changes on RNA splicing suggest that this variant is not likely to affect RNA splicing. In summary, the available evidence is currently insufficient to determine the role of this variant in disease. Therefore, it has been classified as a Variant of Uncertain Significance.

Ambry Genetics
Classification: Uncertain significance for Hereditary cancer-predisposing syndrome. Last evaluated: 2025-01-28. Review status: criteria provided, single submitter. Criteria: Ambry Variant Classification Scheme 2023. Collection method: clinical testing. Allele origin: germline.
Comment: The c.817-3T>C intronic variant results from a T to C substitution 3 nucleotides upstream from coding exon 9 in the SMARCE1 gene. This variant was detected in multiple individuals with no reported features of Coffin-Siris syndrome (Ambry internal data). This nucleotide position is not well conserved in available vertebrate species. In silico splice site analysis predicts that this alteration will not have any significant effect on splicing; however, direct evidence is insufficient (Ambry internal data). Based on the supporting evidence, the association of this alteration with an increased risk of meningiomas is unknown; however, the association of this alteration with Coffin-Siris syndrome is unlikely.

Literature cited by the submitters: PubMed 17576681 (cited by Labcorp Genetics (formerly Invitae), Labcorp); PubMed 9536098 (cited by Labcorp Genetics (formerly Invitae), Labcorp).

NM_003079.5(SMARCE1):c.817-3T>C

Gene: SMARCE1 (SWI/SNF related BAF chromatin remodeling complex subunit E1; minus strand). Cytogenetic location: 17q21.2.
Variant type: single nucleotide variant.
Coding change: c.817-3T>C on transcript NM_003079.5 (MANE Select); 3 bases into the intron before coding-DNA position 817, T replaced by C.
Molecular consequence: intron variant.
Genome position (GRCh38, 1-based): chr17:40,630,927, A>G on the plus strand (T>C on the coding strand, the complement: SMARCE1 is on the minus strand). VCF-style: chr17-40630927-A-G. GRCh37 (hg19) VCF-style: chr17-38787179-A-G.
Identifiers: ClinVar variation 463435 (VCV000463435.14), dbSNP rs779984224, ClinGen allele CA8545153.
Genomic context (GRCh38, chr17:40,630,927, plus strand): 5'-CCTGTGCAATCTCAGCTGCAATTTTCTCCATATCCACTTCTACTTTCAGACCGCACAACT[A>G]ATCAGAAAAAAACAGAACTCCGTAATGTTTTTTCCTTATAATTTTTGAGCCAGATATATT-3'